The following is an entry in ClinVar:

NM_058216.3(RAD51C):c.997A>G (p.Lys333Glu)

Gene: RAD51C (RAD51 paralog C; plus strand). Cytogenetic location: 17q22.
Variant type: single nucleotide variant.
Coding change: c.997A>G on transcript NM_058216.3 (MANE Select); coding-DNA position 997, A replaced by G.
Protein change: p.Lys333Glu; replaces lysine 333 with glutamic acid.
Molecular consequence: missense variant. On other transcripts: non-coding transcript variant (1).
Genome position (GRCh38, 1-based): chr17:58,732,515, A>G. VCF-style: chr17-58732515-A-G. GRCh37 (hg19) VCF-style: chr17-56809876-A-G.
Other names: c.*425A>G (NM_058217.1); short protein forms K333E.
Identifiers: ClinVar variation 1768787 (VCV001768787.2), dbSNP rs2144045515, ClinGen allele CA400365000.

ClinVar aggregate classification (germline): Uncertain significance (1 of 4 stars; one submission).

Conditions:
Hereditary cancer-predisposing syndrome. Also called: Hereditary Cancer Syndrome; Hereditary neoplastic syndrome; Neoplastic Syndromes, Hereditary; Tumor predisposition. Identifiers: Orphanet 140162, MedGen C0027672, MeSH D009386, MONDO:0015356.

Submission:

Ambry Genetics
Classification: Uncertain significance for Hereditary cancer-predisposing syndrome. Last evaluated: 2023-11-09. Review status: criteria provided, single submitter. Criteria: Ambry Variant Classification Scheme 2023. Collection method: clinical testing. Allele origin: germline.
Comment: The p.K333E variant (also known as c.997A>G), located in coding exon 8 of the RAD51C gene, results from an A to G substitution at nucleotide position 997. The lysine at codon 333 is replaced by glutamic acid, an amino acid with similar properties. This amino acid position is conserved. In addition, this alteration is predicted to be tolerated by in silico analysis. Since supporting evidence is limited at this time, the clinical significance of this alteration remains unclear.